The following is an entry in ClinVar:

ClinVar aggregate classification (germline): Pathogenic. Review status: reviewed by expert panel (3 of 4 stars). 9 submissions from 9 submitters: Pathogenic (1). 8 of the submissions do not count toward it. Last evaluated 2016-09-08.

Conditions:
BRCA2-related cancer predisposition. Identifiers: MedGen CN377758, MONDO:0700269.
Hereditary breast ovarian cancer syndrome. Also called: Hereditary breast and ovarian cancer; Hereditary breast and ovarian cancer syndrome; Breast and ovarian cancer; Hereditary breast and ovarian cancer syndrome (HBOC); Hereditary breast and/or ovarian cancer syndrome; BRCA1- and BRCA2-Associated Hereditary Breast and Ovarian Cancer. Identifiers: Orphanet 145, MedGen C0677776, MeSH D061325, MONDO:0003582. Disease mechanism: loss of function.
Breast-ovarian cancer, familial, susceptibility to, 2 (BROVCA2). Also called: BRCA2 Hereditary Breast and Ovarian Cancer. Identifiers: Orphanet 145, MedGen C2675520, MONDO:0012933, OMIM 612555. Disease mechanism: loss of function.
Hereditary cancer-predisposing syndrome. Also called: Hereditary Cancer Syndrome; Neoplastic Syndromes, Hereditary; Tumor predisposition; Hereditary neoplastic syndrome. Identifiers: Orphanet 140162, MedGen C0027672, MeSH D009386, MONDO:0015356.

Submissions (9):

Evidence-based Network for the Interpretation of Germline Mutant Alleles (ENIGMA)
Classification: Pathogenic for Breast-ovarian cancer, familial, susceptibility to, 2. Last evaluated: 2016-09-08. Review status: reviewed by expert panel. Criteria: ENIGMA BRCA1/2 Classification Criteria (2015). Collection method: curation. Allele origin: germline.
Comment: Variant allele predicted to encode a truncated non-functional protein.

Women's Health and Genetics/Laboratory Corporation of America, LabCorp
Classification: Pathogenic for Hereditary breast ovarian cancer syndrome. Last evaluated: 2025-09-23. Review status: criteria provided, single submitter. Criteria: LabCorp Variant Classification Summary - May 2015. Collection method: clinical testing. Allele origin: germline. Not counted in ClinVar's aggregate classification.
Comment: Variant summary: BRCA2 c.3353_3355delTAG (p.Leu1118X) results in a premature termination codon, predicted to cause a truncation of the encoded protein or absence of the protein due to nonsense mediated decay, which are commonly known mechanisms for disease. The variant was absent in 248556 control chromosomes. c.3353_3355delTAG has been observed in individual(s) affected with Pancreatic Cancer (Abe_2019). To our knowledge, no experimental evidence demonstrating an impact on protein function has been reported. The following publication has been ascertained in the context of this evaluation (PMID: 30883245). ClinVar contains an entry for this variant (Variation ID: 186927). Based on the evidence outlined above, the variant was classified as pathogenic.

Ambry Genetics
Classification: Pathogenic for Hereditary cancer-predisposing syndrome. Last evaluated: 2025-08-13. Review status: criteria provided, single submitter. Criteria: Ambry Variant Classification Scheme 2023. Collection method: clinical testing. Allele origin: germline. Not counted in ClinVar's aggregate classification.
Comment: The c.3353_3355delTAG pathogenic mutation (also known as p.L1118_E1119delins*) is located in coding exon 10 of the BRCA2 gene. This pathogenic mutation results from an in-frame TAG deletion at nucleotide positions 3353 to 3355 which results in the in-frame deletion of leucine and glutamate residues at codons 1118 to 1119 and the insertion of a stop codon within coding exon 10. This alteration has been identified in 1/464 individuals with significant family history of pancreatic cancers (Abe T et al. J Clin Oncol, 2019 05;37:1070-1080) as well as in a large, worldwide study of BRCA1/2 mutation positive families (Rebbeck TR et al. Hum Mutat, 2018 05;39:593-620). This variant is considered to be rare based on population cohorts in the Genome Aggregation Database (gnomAD). In addition to the clinical data presented in the literature, this alteration is expected to result in loss of function by premature protein truncation or nonsense-mediated mRNA decay. As such, this alteration is interpreted as a disease-causing mutation.

Quest Diagnostics Nichols Institute San Juan Capistrano
Classification: Pathogenic. Last evaluated: 2025-05-05. Review status: criteria provided, single submitter. Criteria: Quest Diagnostics criteria. Collection method: clinical testing. Allele origin: unknown. Not counted in ClinVar's aggregate classification.
Comment: The BRCA2 c.3353_3355del (p.Leu1118*) variant has been reported in the published literature in individuals with a personal and/or family history of cancer (PMIDs: 30883245 (2019), 31853058 (2020)). In addition, a variant predicted to result in a comparable BRCA2 protein product (p.1118*) has been reported in an individual with prostate cancer (PMID: 35418818 (2022)). This variant has not been reported in large, multi-ethnic general populations (Genome Aggregation Database). Based on the available information, this variant is classified as pathogenic.

GeneDx
Classification: Pathogenic. Last evaluated: 2024-06-13. Review status: criteria provided, single submitter. Criteria: GeneDx Variant Classification Process June 2021. Collection method: clinical testing. Allele origin: germline. Affected: yes. Not counted in ClinVar's aggregate classification.
Comment: Nonsense variant predicted to result in protein truncation or nonsense mediated decay in a gene for which loss of function is a known mechanism of disease; Observed in individuals with a personal or family history consistent with pathogenic variants in this gene (PMID: 30883245); Not observed at significant frequency in large population cohorts (gnomAD); Truncating variants in this gene are considered pathogenic by a well-established clinical consortium and/or database; Also known as 3581_3583delTAG; This variant is associated with the following publications: (PMID: 21520333, 30787465, 31853058, 29446198, 30883245)

All of Us Research Program, National Institutes of Health
Classification: Pathogenic for BRCA2-related cancer predisposition. Last evaluated: 2024-03-24. Review status: criteria provided, single submitter. Criteria: ACMG Guidelines, 2015. Collection method: clinical testing. Allele origin: germline. Inheritance: Autosomal dominant inheritance. Observed: 1 variant allele, 1 heterozygote. Not counted in ClinVar's aggregate classification.
Comment: This variant deletes 3 nucleotides in exon 11 of the BRCA2 gene, creating a premature translation stop signal. This variant is expected to result in an absent or non-functional protein product. To our knowledge, functional studies have not been performed for this variant. This variant has not been reported in individuals affected with hereditary cancer in the literature. This variant has not been identified in the general population by the Genome Aggregation Database (gnomAD). Loss of BRCA2 function is a known mechanism of disease. Based on the available evidence, this variant is classified as Pathogenic.

This study involves interpretation of variants in research participants for the purpose of population health screening. Participant phenotype was not available at the time of variant classification. Additional details can be found in publication PMID: 35346344, PMCID: PMC8962531

Color Diagnostics, LLC DBA Color Health
Classification: Pathogenic for Hereditary cancer-predisposing syndrome. Last evaluated: 2023-09-13. Review status: criteria provided, single submitter. Criteria: ACMG Guidelines, 2015. Collection method: clinical testing. Allele origin: germline. Not counted in ClinVar's aggregate classification.
Comment: This variant deletes 3 nucleotides in exon 11 of the BRCA2 gene, creating a premature translation stop signal. This variant is expected to result in an absent or non-functional protein product. This variant has been reported in individuals with a personal or family history of BRCA2-related cancers (PMID: 29446198, 30883245). This variant has not been identified in the general population by the Genome Aggregation Database (gnomAD). Loss of BRCA2 function is a known mechanism of disease. Based on the available evidence, this variant is classified as Pathogenic.

Labcorp Genetics (formerly Invitae), Labcorp
Classification: Pathogenic for Hereditary breast ovarian cancer syndrome. Last evaluated: 2022-02-18. Review status: criteria provided, single submitter. Criteria: Invitae Variant Classification Sherloc (09022015). Collection method: clinical testing. Allele origin: germline. Not counted in ClinVar's aggregate classification.
Comment: For these reasons, this variant has been classified as Pathogenic. ClinVar contains an entry for this variant (Variation ID: 186927). This premature translational stop signal has been observed in individual(s) with BRCA2-related conditions (PMID: 21520333). This variant is not present in population databases (gnomAD no frequency). This sequence change creates a premature translational stop signal (p.Leu1118*) in the BRCA2 gene. It is expected to result in an absent or disrupted protein product. Loss-of-function variants in BRCA2 are known to be pathogenic (PMID: 20104584).

Consortium of Investigators of Modifiers of BRCA1/2 (CIMBA), c/o University of Cambridge
Classification: Pathogenic for Breast-ovarian cancer, familial, susceptibility to, 2. Last evaluated: 2015-10-02. Review status: criteria provided, single submitter. Criteria: CIMBA Mutation Classification guidelines May 2016. Collection method: clinical testing. Allele origin: germline. Not counted in ClinVar's aggregate classification.

Literature cited by the submitters: PubMed 30883245 (cited by 4 submitters); PubMed 29446198 (cited by 3 submitters); PubMed 35418818 (cited by Quest Diagnostics Nichols Institute San Juan Capistrano); PubMed 30787465 (cited by Quest Diagnostics Nichols Institute San Juan Capistrano); PubMed 31853058 (cited by Quest Diagnostics Nichols Institute San Juan Capistrano); PubMed 21520333 (cited by Labcorp Genetics (formerly Invitae), Labcorp); PubMed 20104584 (cited by Labcorp Genetics (formerly Invitae), Labcorp).

NM_000059.4(BRCA2):c.3353_3355del (p.Leu1118_Glu1119delinsTer)

Gene: BRCA2 (BRCA2 DNA repair associated; plus strand). Cytogenetic location: 13q13.1.
Variant type: Deletion.
Coding change: c.3353_3355del on transcript NM_000059.4 (MANE Select); coding-DNA positions 3353 to 3355, 3 bases deleted (TAG; older notation c.3353_3355delTAG).
Protein change: p.Leu1118_Glu1119delinsTer.
Molecular consequence: nonsense.
Genome position (GRCh38, 1-based): chr13:32,337,708-32,337,710, TAG deleted. VCF-style (leftmost placement, unchanged base first): chr13-32337707-TTAG-T. GRCh37 (hg19) VCF-style: chr13-32911844-TTAG-T.
Other names: c.3353_3355delTAG (NM_000059.3, NM_000059.4).
Identifiers: ClinVar variation 186927 (VCV000186927.26), dbSNP rs786203329, ClinGen allele CA017838.